The following is an entry in ClinVar:

ClinVar aggregate classification (germline): Benign/Likely benign. Review status: criteria provided, multiple submitters, no conflicts (2 of 4 stars). 3 submissions from 3 submitters: Benign (2); Likely benign (1). Last evaluated 2022-04-01.

Allele frequency attached by ClinVar (database versions not stated): gnomAD exomes 0.00031 and 0.00058; ExAC 0.00104; 1000 Genomes Project 30x 0.00125; 1000 Genomes Project 0.00140; ESP Exome Variant Server 0.00163; gnomAD 0.00275 and 0.00298; TOPMed 0.00328.
gnomAD v4.1: 878 of 1,604,730 alleles (0.055%); highest among the groups gnomAD compares: African/African-American, 0.92%; 5 homozygotes.

Submissions (3):

CeGaT Center for Human Genetics Tuebingen
Classification: Likely benign. Last evaluated: 2022-04-01. Review status: criteria provided, single submitter. Criteria: CeGaT Center For Human Genetics Tuebingen Variant Classification Criteria Version 2. Collection method: clinical testing. Allele origin: germline. Affected: yes. Observed: 2 variant alleles.
Comment: TPPP: BP4, BP7

Labcorp Genetics (formerly Invitae), Labcorp
Classification: Benign. Last evaluated: 2018-05-14. Review status: criteria provided, single submitter. Criteria: Invitae Variant Classification Sherloc (09022015). Collection method: clinical testing. Allele origin: germline.

Breakthrough Genomics
Classification: Benign. Review status: criteria provided, single submitter. Criteria: ACMG Guidelines, 2015. Collection method: not provided. Allele origin: germline. Inheritance: Unknown mechanism. Affected: yes.

NM_007030.3(TPPP):c.57G>A (p.Pro19=)

Gene: TPPP (tubulin polymerization promoting protein; minus strand). Cytogenetic location: 5p15.33.
Variant type: single nucleotide variant.
Coding change: c.57G>A on transcript NM_007030.3 (MANE Select); coding-DNA position 57, G replaced by A.
Protein change: p.Pro19=; no amino-acid change (proline 19 retained).
Molecular consequence: synonymous variant.
Genome position (GRCh38, 1-based): chr5:678,004, C>T on the plus strand (G>A on the coding strand, the complement: TPPP is on the minus strand). VCF-style: chr5-678004-C-T. GRCh37 (hg19) VCF-style: chr5-678119-C-T.
Identifiers: ClinVar variation 730677 (VCV000730677.28), dbSNP rs138862056, ClinGen allele CA3177467.